The following is an entry in ClinVar:

NM_198578.4(LRRK2):c.6481A>G (p.Asn2161Asp)

Gene: LRRK2 (leucine rich repeat kinase 2; plus strand). Cytogenetic location: 12q12.
Variant type: single nucleotide variant.
Coding change: c.6481A>G on transcript NM_198578.4 (MANE Select); coding-DNA position 6481, A replaced by G.
Protein change: p.Asn2161Asp; replaces asparagine 2161 with aspartic acid.
Molecular consequence: missense variant.
Genome position (GRCh38, 1-based): chr12:40,351,638, A>G. VCF-style: chr12-40351638-A-G. GRCh37 (hg19) VCF-style: chr12-40745440-A-G.
Other names: short protein forms N2161D.
Identifiers: ClinVar variation 2562410 (VCV002562410.3), dbSNP rs1028889808, ClinGen allele CA384406940.
Genomic context (GRCh38, chr12:40,351,638, plus strand): 5'-ACGAGACGCATTTTATTACCTAAAAACGTAATTGTTGAATGCATGGTTGCTACACATCAC[A>G]ACAGCAGGAATGCAAGCATTTGGCTGGGCTGTGGGCACACCGACAGAGGACAGCTCTCAT-3'
Protein context (NP_940980.4, residues 2151-2171): IVECMVATHH[Asn2161Asp]SRNASIWLGC

ClinVar aggregate classification (germline): Uncertain significance. Review status: criteria provided, multiple submitters, no conflicts (2 of 4 stars). 2 submissions from 2 submitters: Uncertain significance (2). Last evaluated 2023-10-18.

Conditions:
Inborn genetic diseases. Identifiers: MedGen C0950123, MeSH D030342.

Allele frequency attached by ClinVar (database versions not stated): gnomAD exomes below 0.00001.
gnomAD v4.1: 1 of 1,614,222 alleles (0.000062%); highest among the groups gnomAD compares: Middle Eastern, 0.016%; no homozygotes.

Submissions (2):

Blueprint Genetics
Classification: Uncertain significance. Last evaluated: 2023-10-18. Review status: criteria provided, single submitter. Criteria: ACMG Guidelines, 2015. Collection method: clinical testing. Allele origin: germline.

Ambry Genetics
Classification: Uncertain significance for Inborn genetic diseases. Last evaluated: 2023-03-17. Review status: criteria provided, single submitter. Criteria: Ambry Variant Classification Scheme 2023. Collection method: clinical testing. Allele origin: germline.
Comment: The p.N2161D variant (also known as c.6481A>G), located in coding exon 44 of the LRRK2 gene, results from an A to G substitution at nucleotide position 6481. The asparagine at codon 2161 is replaced by aspartic acid, an amino acid with highly similar properties. This amino acid position is conserved. In addition, this alteration is predicted to be tolerated by in silico analysis. Since supporting evidence is limited at this time, the clinical significance of this alteration remains unclear.